The following is an entry in ClinVar:

NM_198578.4(LRRK2):c.6461G>T (p.Cys2154Phe)

Gene: LRRK2 (leucine rich repeat kinase 2; plus strand). Cytogenetic location: 12q12.
Variant type: single nucleotide variant.
Coding change: c.6461G>T on transcript NM_198578.4 (MANE Select); coding-DNA position 6461, G replaced by T.
Protein change: p.Cys2154Phe; replaces cysteine 2154 with phenylalanine.
Molecular consequence: missense variant.
Genome position (GRCh38, 1-based): chr12:40,351,618, G>T. VCF-style: chr12-40351618-G-T. GRCh37 (hg19) VCF-style: chr12-40745420-G-T.
Other names: short protein forms C2154F.
Identifiers: ClinVar variation 1753664 (VCV001753664.6), dbSNP rs371316474, ClinGen allele CA384406806.
Genomic context (GRCh38, chr12:40,351,618, plus strand): 5'-CAGCTGAATTAGTCTGTCTGACGAGACGCATTTTATTACCTAAAAACGTAATTGTTGAAT[G>T]CATGGTTGCTACACATCACAACAGCAGGAATGCAAGCATTTGGCTGGGCTGTGGGCACAC-3'
Protein context (NP_940980.4, residues 2144-2164): ILLPKNVIVE[Cys2154Phe]MVATHHNSRN

ClinVar aggregate classification (germline): Uncertain significance. Review status: criteria provided, multiple submitters, no conflicts (2 of 4 stars). 2 submissions from 2 submitters: Uncertain significance (2). Last evaluated 2024-01-11.

Conditions:
Inborn genetic diseases. Identifiers: MedGen C0950123, MeSH D030342.
Autosomal dominant Parkinson disease 8. Also called: Parkinson disease 8, susceptibility to; LRRK2-Related Parkinson Disease; Parkinson disease 8. Identifiers: Orphanet 411602, MedGen C1846862, MONDO:0011764, OMIM 607060.

Allele frequency attached by ClinVar (database versions not stated): gnomAD exomes 0.00001.
gnomAD v4.1: 17 of 1,614,046 alleles (0.0011%); highest among the groups gnomAD compares: Non-Finnish European, 0.0012%; no homozygotes.

Submissions (2):

Ambry Genetics
Classification: Uncertain significance for Inborn genetic diseases. Last evaluated: 2024-01-11. Review status: criteria provided, single submitter. Criteria: Ambry Variant Classification Scheme 2023. Collection method: clinical testing. Allele origin: germline.
Comment: The p.C2154F variant (also known as c.6461G>T), located in coding exon 44 of the LRRK2 gene, results from a G to T substitution at nucleotide position 6461. The cysteine at codon 2154 is replaced by phenylalanine, an amino acid with highly dissimilar properties. This amino acid position is conserved. In addition, this alteration is predicted to be deleterious by in silico analysis. Since supporting evidence is limited at this time, the clinical significance of this alteration remains unclear.

Labcorp Genetics (formerly Invitae), Labcorp
Classification: Uncertain significance for Autosomal dominant Parkinson disease 8. Last evaluated: 2022-04-01. Review status: criteria provided, single submitter. Criteria: Invitae Variant Classification Sherloc (09022015). Collection method: clinical testing. Allele origin: germline.
Comment: Algorithms developed to predict the effect of missense changes on protein structure and function are either unavailable or do not agree on the potential impact of this missense change (SIFT: "Deleterious"; PolyPhen-2: "Probably Damaging"; Align-GVGD: "Class C0"). This variant has not been reported in the literature in individuals affected with LRRK2-related conditions. This variant is present in population databases (no rsID available, gnomAD 0.002%). This sequence change replaces cysteine, which is neutral and slightly polar, with phenylalanine, which is neutral and non-polar, at codon 2154 of the LRRK2 protein (p.Cys2154Phe). In summary, the available evidence is currently insufficient to determine the role of this variant in disease. Therefore, it has been classified as a Variant of Uncertain Significance.